The following is an entry in ClinVar:

NM_001458.5(FLNC):c.4716del (p.Leu1573fs)

Gene: FLNC (filamin C; plus strand). Cytogenetic location: 7q32.1.
Variant type: Deletion.
Coding change: c.4716del on transcript NM_001458.5 (MANE Select); coding-DNA position 4716, one base deleted (G; older notation c.4716delG).
Protein change: p.Leu1573fs; shifts the reading frame from leucine 1573.
Molecular consequence: frameshift variant.
Genome position (GRCh38, 1-based): chr7:128,848,696, G deleted; the last of 4 consecutive G bases (chr7:128,848,693-128,848,696); deleting any one gives the same sequence. VCF-style (leftmost placement, unchanged base first): chr7-128848692-AG-A. GRCh37 (hg19) VCF-style: chr7-128488746-AG-A.
Other names: p.Leu1573Cysfs*34; c.4716del, p.Leu1573fs (NM_001127487.2); c.4716delG (NM_001458.4); c.4716del (NM_001458.4); short protein forms L1573fs.
Identifiers: ClinVar variation 478127 (VCV000478127.9), dbSNP rs1554400021, ClinGen allele CA658657722.

ClinVar aggregate classification (germline): Pathogenic/Likely pathogenic. Review status: criteria provided, multiple submitters, no conflicts (2 of 4 stars). 2 submissions from 2 submitters: Pathogenic (1); Likely pathogenic (1). Last evaluated 2023-05-04.

Conditions:
Hypertrophic cardiomyopathy 26. Also called: Cardiomyopathy, familial hypertrophic, 26. Identifiers: Orphanet 75249, MedGen C4310749, MONDO:0014883, OMIM 617047.
Distal myopathy with posterior leg and anterior hand involvement. Also called: WILLIAMS DISTAL MYOPATHY. Identifiers: Orphanet 63273, MedGen C3279722, MONDO:0013550, OMIM 614065.
Myofibrillar myopathy 5. Also called: Filaminopathy (type); FILAMINOPATHY, AUTOSOMAL DOMINANT. Identifiers: Orphanet 171445, MedGen C1836050, MONDO:0012289, OMIM 609524.

Submissions (2):

Mayo Clinic Laboratories, Mayo Clinic
Classification: Likely pathogenic. Last evaluated: 2023-05-04. Review status: criteria provided, single submitter. Criteria: ACMG Guidelines, 2015. Collection method: clinical testing. Allele origin: germline. Observed: 1 variant allele.
Comment: PM2_supporting, PVS1

Labcorp Genetics (formerly Invitae), Labcorp
Classification: Pathogenic for Distal myopathy with posterior leg and anterior hand involvement; Myofibrillar myopathy 5; Hypertrophic cardiomyopathy 26. Last evaluated: 2022-07-23. Review status: criteria provided, single submitter. Criteria: Invitae Variant Classification Sherloc (09022015). Collection method: clinical testing. Allele origin: germline.
Comment: For these reasons, this variant has been classified as Pathogenic. ClinVar contains an entry for this variant (Variation ID: 478127). This variant has not been reported in the literature in individuals affected with FLNC-related conditions. This variant is not present in population databases (gnomAD no frequency). This sequence change creates a premature translational stop signal (p.Leu1573Cysfs*34) in the FLNC gene. It is expected to result in an absent or disrupted protein product. Loss-of-function variants in FLNC are known to be pathogenic (PMID: 27908349).

Literature cited by the submitters: PubMed 34587765 (cited by Mayo Clinic Laboratories, Mayo Clinic); PubMed 27908349 (cited by Labcorp Genetics (formerly Invitae), Labcorp).